The following is an entry in ClinVar:

NM_001103.4(ACTN2):c.1859T>A (p.Ile620Asn)

Gene: ACTN2 (actinin alpha 2; plus strand). Cytogenetic location: 1q43.
Variant type: single nucleotide variant.
Coding change: c.1859T>A on transcript NM_001103.4 (MANE Select); coding-DNA position 1859, T replaced by A.
Protein change: p.Ile620Asn; replaces isoleucine 620 with asparagine.
Molecular consequence: missense variant.
Genome position (GRCh38, 1-based): chr1:236,753,966, T>A. VCF-style: chr1-236753966-T-A. GRCh37 (hg19) VCF-style: chr1-236917266-T-A.
Other names: c.1859T>A, p.Ile620Asn (NM_001278343.2); c.1235T>A, p.Ile412Asn (NM_001278344.2); c.1109T>A, p.Ile370Asn (NM_001412150.1); short protein forms I412N, I370N, I620N.
Identifiers: ClinVar variation 2097081 (VCV002097081.4), dbSNP rs918678505, ClinGen allele CA39740553.

ClinVar aggregate classification (germline): Uncertain significance (1 of 4 stars; one submission).

Conditions:
Primary familial hypertrophic cardiomyopathy (HCM). Identifiers: Orphanet 99739, MedGen C0949658, MeSH D024741, MONDO:0024573. Inheritance: Various modes of inheritance.
Dilated cardiomyopathy 1AA (CMD1AA). Also called: CARDIOMYOPATHY, DILATED, 1AA, WITH OR WITHOUT LEFT VENTRICULAR NONCOMPACTION; CARDIOMYOPATHY, FAMILIAL HYPERTROPHIC, 23, WITH OR WITHOUT LEFT VENTRICULAR NONCOMPACTION; Cardiomyopathy, dilated, 1AA, with or without LVNC. Identifiers: Orphanet 154, MedGen C2677338, MONDO:0012808, OMIM 612158.

Allele frequency attached by ClinVar (database versions not stated): TOPMed below 0.00001.

Submission:

Labcorp Genetics (formerly Invitae), Labcorp
Classification: Uncertain significance for Primary familial hypertrophic cardiomyopathy; Dilated cardiomyopathy 1AA. Last evaluated: 2022-02-12. Review status: criteria provided, single submitter. Criteria: Invitae Variant Classification Sherloc (09022015). Collection method: clinical testing. Allele origin: germline.
Comment: This variant is not present in population databases (gnomAD no frequency). This variant has not been reported in the literature in individuals affected with ACTN2-related conditions. Advanced modeling of protein sequence and biophysical properties (such as structural, functional, and spatial information, amino acid conservation, physicochemical variation, residue mobility, and thermodynamic stability) performed at Invitae indicates that this missense variant is not expected to disrupt ACTN2 protein function. In summary, the available evidence is currently insufficient to determine the role of this variant in disease. Therefore, it has been classified as a Variant of Uncertain Significance. This sequence change replaces isoleucine, which is neutral and non-polar, with asparagine, which is neutral and polar, at codon 620 of the ACTN2 protein (p.Ile620Asn).